The following is an entry in ClinVar:

ClinVar aggregate classification (germline): Uncertain significance (1 of 4 stars; one submission).

Submission:

GeneDx
Classification: Uncertain significance. Last evaluated: 2024-05-24. Review status: criteria provided, single submitter. Criteria: GeneDx Variant Classification Process June 2021. Collection method: clinical testing. Allele origin: germline. Affected: yes.
Comment: Not observed at significant frequency in large population cohorts (gnomAD); In silico analysis supports that this missense variant has a deleterious effect on protein structure/function; Has not been previously published as pathogenic or benign to our knowledge

NM_014384.3(ACAD8):c.260G>A (p.Gly87Glu)

Gene: ACAD8 (acyl-CoA dehydrogenase family member 8; plus strand). Cytogenetic location: 11q25.
Variant type: single nucleotide variant.
Coding change: c.260G>A on transcript NM_014384.3 (MANE Select); coding-DNA position 260, G replaced by A.
Protein change: p.Gly87Glu; replaces glycine 87 with glutamic acid.
Molecular consequence: missense variant.
Genome position (GRCh38, 1-based): chr11:134,257,137, G>A. VCF-style: chr11-134257137-G-A. GRCh37 (hg19) VCF-style: chr11-134127031-G-A.
Other names: short protein forms G87E.
Identifiers: ClinVar variation 1314772 (VCV001314772.4), dbSNP rs2136076119, ClinGen allele CA383512962.
Genomic context (GRCh38, chr11:134,257,137, plus strand): 5'-TTTGTACATAGGAGCTGTTCCCAGTGGATGTGATGCGGAAGGCAGCCCAGCTAGGCTTCG[G>A]AGGGGTCTACATACAAACAGATGTGGGCGGGTCTGGGCTGTCACGTCTTGATACCTCTGT-3'
Protein context (NP_055199.1, residues 77-97): VMRKAAQLGF[Gly87Glu]GVYIQTDVGG